The following is an entry in ClinVar:

NM_001374736.1(DST):c.18890G>T (p.Ser6297Ile)

Gene: DST (dystonin; minus strand). Cytogenetic location: 6p12.1.
Variant type: single nucleotide variant.
Coding change: c.18890G>T on transcript NM_001374736.1 (MANE Select); coding-DNA position 18890, G replaced by T.
Protein change: p.Ser6297Ile; replaces serine 6297 with isoleucine.
Molecular consequence: missense variant.
Genome position (GRCh38, 1-based): chr6:56,509,764, C>A on the plus strand (G>T on the coding strand, the complement: DST is on the minus strand). VCF-style: chr6-56509764-C-A. GRCh37 (hg19) VCF-style: chr6-56374562-C-A.
Other names: c.12533G>T, p.Ser4178Ile (NM_001144769.5); c.12119G>T, p.Ser4040Ile (NM_001144770.2); c.18890G>T, p.Ser6297Ile (NM_001374722.1); c.17930G>T, p.Ser5977Ile (NM_001374729.1); c.11672G>T, p.Ser3891Ile (NM_001374730.1); c.18917G>T, p.Ser6306Ile (NM_001374734.1); c.11021G>T, p.Ser3674Ile (NM_015548.5); c.11999G>T, p.Ser4000Ile (NM_183380.4); short protein forms S4040I, S6297I, S6306I, S4000I, S3674I, S3891I, S4178I, S5977I.
Identifiers: ClinVar variation 965700 (VCV000965700.8), dbSNP rs2096429215, ClinGen allele CA364524111.
Genomic context (GRCh38, chr6:56,509,764, plus strand): 5'-TTAAGAGTTTCATACAACGGCTGTAGCTTTTCCATGTCTACTGACACATTCTTATTTTCA[C>A]TGATCTGTTCCTTGATCTTCTCAACCTCTGCAGAGATAGAGGGTGGCTGCCTCAGACGTT-3'
Protein context (NP_001361665.1, residues 6287-6307): AEVEKIKEQI[Ser6297Ile]ENKNVSVDME

ClinVar aggregate classification (germline): Uncertain significance (1 of 4 stars; one submission).

Conditions:
Hereditary sensory and autonomic neuropathy type 6. Also called: Neuropathy, hereditary sensory and autonomic, type VI; HSAN VI. Identifiers: Orphanet 314381, MedGen C3539003, MONDO:0013839, OMIM 614653.
Epidermolysis bullosa simplex 3, localized or generalized intermediate, with BP230 deficiency (EBS3). Also called: Epidermolysis bullosa simplex, autosomal recessive 2; Epidermolysis bullosa simplex due to BP230 deficiency. Identifiers: Orphanet 412181, MedGen C3809470, MONDO:0014180, OMIM 615425.

Submission:

Labcorp Genetics (formerly Invitae), Labcorp
Classification: Uncertain significance for Epidermolysis bullosa simplex 3, localized or generalized intermediate, with BP230 deficiency; Hereditary sensory and autonomic neuropathy type 6. Last evaluated: 2019-09-07. Review status: criteria provided, single submitter. Criteria: Invitae Variant Classification Sherloc (09022015). Collection method: clinical testing. Allele origin: germline.
Comment: Algorithms developed to predict the effect of missense changes on protein structure and function are either unavailable or do not agree on the potential impact of this missense change (SIFT: "Tolerated"; PolyPhen-2: "Not Available"; Align-GVGD: "Class C0"). This variant has not been reported in the literature in individuals with DST-related conditions. This variant is not present in population databases (ExAC no frequency). This sequence change replaces serine with isoleucine at codon 3674 of the DST protein (p.Ser3674Ile). The serine residue is moderately conserved and there is a large physicochemical difference between serine and isoleucine. The DST gene has multiple clinically relevant transcripts. The p.Ser3674Ile variant occurs in alternate transcript NM_015548.4, which corresponds to c.*105753G>T in NM_001723.5, the primary transcript listed in the Methods. In summary, the available evidence is currently insufficient to determine the role of this variant in disease. Therefore, it has been classified as a Variant of Uncertain Significance.